The following is an entry in ClinVar:

NM_000440.3(PDE6A):c.1843C>T (p.Gln615Ter)

Gene: PDE6A (phosphodiesterase 6A; minus strand). Cytogenetic location: 5q32.
Variant type: single nucleotide variant.
Coding change: c.1843C>T on transcript NM_000440.3 (MANE Select); coding-DNA position 1843, C replaced by T.
Protein change: p.Gln615Ter; replaces glutamine 615 with a stop codon.
Molecular consequence: nonsense.
Genome position (GRCh38, 1-based): chr5:149,884,863, G>A on the plus strand (C>T on the coding strand, the complement: PDE6A is on the minus strand). VCF-style: chr5-149884863-G-A. GRCh37 (hg19) VCF-style: chr5-149264426-G-A.
Other names: short protein forms Q615*.
Identifiers: ClinVar variation 855493 (VCV000855493.9), dbSNP rs1752223896, ClinGen allele CA361693616.
Genomic context (GRCh38, chr5:149,884,863, plus strand): 5'-CAAACTCCAAGTGGTGTCTTTCCAAGATAGAGGACCCATGGAGCTTGGCCAGTGGGTTCT[G>A]GGATCTGAATGAGAAAGAGAGAGAATCAATATGGAGTGGACAATAGAAAATTAGGACTAA-3'

ClinVar aggregate classification (germline): Pathogenic. Review status: criteria provided, multiple submitters, no conflicts (2 of 4 stars). 2 submissions from 2 submitters: Pathogenic (2). Last evaluated 2022-09-27.

Allele frequency attached by ClinVar (database versions not stated): gnomAD exomes below 0.00001.
gnomAD v4.1: 1 of 1,612,858 alleles (0.000062%); highest among the groups gnomAD compares: African/African-American, 0.0013%; no homozygotes.

Submissions (2):

Labcorp Genetics (formerly Invitae), Labcorp
Classification: Pathogenic. Last evaluated: 2022-09-27. Review status: criteria provided, single submitter. Criteria: Invitae Variant Classification Sherloc (09022015). Collection method: clinical testing. Allele origin: germline.
Comment: For these reasons, this variant has been classified as Pathogenic. ClinVar contains an entry for this variant (Variation ID: 855493). This variant has not been reported in the literature in individuals affected with PDE6A-related conditions. This variant is not present in population databases (gnomAD no frequency). This sequence change creates a premature translational stop signal (p.Gln615*) in the PDE6A gene. It is expected to result in an absent or disrupted protein product. Loss-of-function variants in PDE6A are known to be pathogenic (PMID: 7493036, 22128245, 23847139).

Institute of Medical Genetics and Applied Genomics, University Hospital Tübingen
Classification: Pathogenic. Last evaluated: 2021-06-17. Review status: criteria provided, single submitter. Criteria: ACMG Guidelines, 2015. Collection method: clinical testing. Allele origin: germline. Inheritance: Autosomal recessive inheritance. Affected: yes.

Literature cited by the submitters: PubMed 7493036 (cited by Labcorp Genetics (formerly Invitae), Labcorp); PubMed 22128245 (cited by Labcorp Genetics (formerly Invitae), Labcorp); PubMed 23847139 (cited by Labcorp Genetics (formerly Invitae), Labcorp).